The following is an entry in ClinVar:

ClinVar aggregate classification (germline): Uncertain significance (1 of 4 stars; one submission).

Conditions:
Tumor predisposition syndrome 3 (TPDS3). Also called: Melanoma, cutaneous malignant, susceptibility to, 10; Glioma susceptibility 9; LONG TELOMERE SYNDROME, POT1-RELATED; POT1 Tumor Predisposition. Identifiers: Orphanet 618, MedGen C4014476, MONDO:0014368, OMIM 615848.

Submission:

Labcorp Genetics (formerly Invitae), Labcorp
Classification: Uncertain significance for Tumor predisposition syndrome 3. Last evaluated: 2022-03-09. Review status: criteria provided, single submitter. Criteria: Invitae Variant Classification Sherloc (09022015). Collection method: clinical testing. Allele origin: germline.
Comment: In summary, the available evidence is currently insufficient to determine the role of this variant in disease. Therefore, it has been classified as a Variant of Uncertain Significance. Experimental studies and prediction algorithms are not available or were not evaluated, and the functional significance of this variant is currently unknown. This variant has not been reported in the literature in individuals affected with POT1-related conditions. This variant is not present in population databases (gnomAD no frequency). This variant, c.1253_1255del, results in the deletion of 1 amino acid(s) of the POT1 protein (p.Leu418del), but otherwise preserves the integrity of the reading frame.

NM_015450.3(POT1):c.1253_1255del (p.Leu418del)

Gene: POT1 (protection of telomeres 1; minus strand). Cytogenetic location: 7q31.33.
Variant type: Deletion.
Coding change: c.1253_1255del on transcript NM_015450.3 (MANE Select); coding-DNA positions 1253 to 1255, 3 bases deleted (TAT; older notation c.1253_1255delTAT).
Protein change: p.Leu418del; deletes leucine 418.
Molecular consequence: inframe deletion. On other transcripts: non-coding transcript variant (3).
Genome position (GRCh38, 1-based): chr7:124,841,087-124,841,089, ATA deleted on the plus strand (TAT on the coding strand, the reverse complement: POT1 is on the minus strand); deleting any 3 consecutive bases within chr7:124,841,087-124,841,091 gives the same sequence; the c. name uses the placement nearest the transcript's 3' end. VCF-style (leftmost placement, unchanged base first): chr7-124841086-TATA-T. GRCh37 (hg19) VCF-style: chr7-124481140-TATA-T.
Other names: c.860_862del, p.Leu287del (NM_001042594.2); short protein forms L287del, L418del.
Identifiers: ClinVar variation 2107979 (VCV002107979.4), dbSNP rs762776288, ClinGen allele CA166104405.